The following is an entry in ClinVar:

ClinVar aggregate classification (germline): Uncertain significance (1 of 4 stars; one submission).

Conditions:
Dilated cardiomyopathy 1G (CMD1G). Identifiers: Orphanet 154, MedGen C1858763, MONDO:0011400, OMIM 604145.
Autosomal recessive limb-girdle muscular dystrophy type 2J (LGMDR10). Also called: Limb-girdle muscular dystrophy, type 2J; MUSCULAR DYSTROPHY, LIMB-GIRDLE, AUTOSOMAL RECESSIVE 10. Identifiers: Orphanet 140922, MedGen C1837342, MONDO:0012127, OMIM 608807.

Submission:

Labcorp Genetics (formerly Invitae), Labcorp
Classification: Uncertain significance for Dilated cardiomyopathy 1G; Autosomal recessive limb-girdle muscular dystrophy type 2J. Last evaluated: 2022-10-17. Review status: criteria provided, single submitter. Criteria: Invitae Variant Classification Sherloc (09022015). Collection method: clinical testing. Allele origin: germline.
Comment: This sequence change replaces lysine, which is basic and polar, with threonine, which is neutral and polar, at codon 33806 of the TTN protein (p.Lys33806Thr). This variant is not present in population databases (gnomAD no frequency). This variant has not been reported in the literature in individuals affected with TTN-related conditions. Experimental studies and prediction algorithms are not available or were not evaluated, and the functional significance of this variant is currently unknown. In summary, the available evidence is currently insufficient to determine the role of this variant in disease. Therefore, it has been classified as a Variant of Uncertain Significance. This variant is located in the M band of TTN (PMID: 25589632). Variants in this region may be relevant for neuromuscular disorders, but have not been definitively shown to cause cardiomyopathy (PMID: 23975875).

Literature cited by the submitters: PubMed 25589632; PubMed 23975875.

NM_001267550.2(TTN):c.101417A>C (p.Lys33806Thr)

Genes: TTN (titin; minus strand), TTN-AS1 (TTN antisense RNA 1; plus strand). Cytogenetic location: 2q31.2.
Variant type: single nucleotide variant.
Coding change: c.101417A>C on transcript NM_001267550.2 (MANE Select); coding-DNA position 101417, A replaced by C.
Protein change: p.Lys33806Thr; replaces lysine 33806 with threonine.
Molecular consequence: missense variant.
Genome position (GRCh38, 1-based): chr2:178,535,198, T>G on the plus strand (A>C on the coding strand, the complement: TTN is on the minus strand). VCF-style: chr2-178535198-T-G. GRCh37 (hg19) VCF-style: chr2-179399925-T-G.
Other names: c.96494A>C, p.Lys32165Thr (NM_001256850.1); c.74222A>C, p.Lys24741Thr (NM_003319.4); c.93713A>C, p.Lys31238Thr (NM_133378.4); c.74597A>C, p.Lys24866Thr (NM_133432.3); c.74798A>C, p.Lys24933Thr (NM_133437.4); short protein forms K24933T, K24866T, K33806T, K32165T, K24741T, K31238T.
Identifiers: ClinVar variation 1897508 (VCV001897508.5), dbSNP rs1690888806, ClinGen allele CA349420757.